The following is an entry in ClinVar:

ClinVar aggregate classification (germline): Benign/Likely benign. Review status: criteria provided, multiple submitters, no conflicts (2 of 4 stars). 9 submissions from 9 submitters: Benign (1); Likely benign (4). 4 of the submissions do not count toward it. Last evaluated 2025-12-18.

Conditions:
Postaxial polydactyly-anterior pituitary anomalies-facial dysmorphism syndrome. Also called: Culler-Jones syndrome. Identifiers: Orphanet 420584, MedGen C4014479, MONDO:0014369, OMIM 615849.
Holoprosencephaly 9 (HPE9). Also called: PITUITARY ANOMALIES WITH HOLOPROSENCEPHALY-LIKE FEATURES; HOLOPROSENCEPHALY WITH MICROPHTHALMIA AND FIRST BRANCHIAL ARCH ANOMALIES. Identifiers: Orphanet 2162, MedGen C1835819, MONDO:0012563, OMIM 610829.
Inborn genetic diseases. Identifiers: MedGen C0950123, MeSH D030342.

Allele frequency attached by ClinVar (database versions not stated): 1000 Genomes Project 0.00020; 1000 Genomes Project 30x 0.00031; TOPMed 0.00050; gnomAD 0.00053 and 0.00054; ESP Exome Variant Server 0.00054; gnomAD exomes 0.00061 and 0.00102; ExAC 0.00063.
gnomAD v4.1: 1,542 of 1,613,442 alleles (0.096%); highest among the groups gnomAD compares: Non-Finnish European, 0.12%; 4 homozygotes.

Submissions (9):

Labcorp Genetics (formerly Invitae), Labcorp
Classification: Likely benign for Postaxial polydactyly-anterior pituitary anomalies-facial dysmorphism syndrome; Holoprosencephaly 9. Last evaluated: 2025-12-18. Review status: criteria provided, single submitter. Criteria: Invitae Variant Classification Sherloc (09022015). Collection method: clinical testing. Allele origin: germline.

Blueprint Genetics
Classification: Likely benign. Last evaluated: 2024-11-22. Review status: criteria provided, single submitter. Criteria: ACMG Guidelines, 2015. Collection method: clinical testing. Allele origin: germline.

Ambry Genetics
Classification: Likely benign for Inborn genetic diseases. Last evaluated: 2023-08-21. Review status: criteria provided, single submitter. Criteria: Ambry Variant Classification Scheme 2023. Collection method: clinical testing. Allele origin: germline.

CeGaT Center for Human Genetics Tuebingen
Classification: Benign. Last evaluated: 2022-03-01. Review status: criteria provided, single submitter. Criteria: CeGaT Center For Human Genetics Tuebingen Variant Classification Criteria Version 2. Collection method: clinical testing. Allele origin: germline. Affected: yes. Observed: 1 variant allele.
Comment: GLI2: BS1, BS2

Illumina Laboratory Services, Illumina
Classification: Likely benign for Holoprosencephaly 9. Last evaluated: 2018-01-13. Review status: criteria provided, single submitter. Criteria: ICSL Variant Classification Criteria 13 December 2019. Collection method: clinical testing. Allele origin: germline.
Comment: This variant was observed in the ICSL laboratory as part of a predisposition screen in an ostensibly healthy population. It had not been previously curated by ICSL or reported in the Human Gene Mutation Database (HGMD: prior to June 1st, 2018), and was therefore a candidate for classification through an automated scoring system. Utilizing variant allele frequency, disease prevalence and penetrance estimates, and inheritance mode, an automated score was calculated to assess if this variant is too frequent to cause the disease. Based on the score and internal cut-off values, a variant classified as likely benign is not then subjected to further curation. The score for this variant resulted in a classification of likely benign for this disease.

Clinical Genetics DNA and cytogenetics Diagnostics Lab, Erasmus MC, Erasmus Medical Center
Classification: Likely benign. Review status: no assertion criteria provided. Collection method: clinical testing. Allele origin: germline. Affected: yes. Study: VKGL Data-share Consensus. Not counted in ClinVar's aggregate classification.

Clinical Genetics, Academic Medical Center
Classification: Likely benign. Review status: no assertion criteria provided. Collection method: clinical testing. Allele origin: germline. Affected: yes. Study: VKGL Data-share Consensus. Not counted in ClinVar's aggregate classification.

Diagnostic Laboratory, Department of Genetics, University Medical Center Groningen
Classification: Likely benign. Review status: no assertion criteria provided. Collection method: clinical testing. Allele origin: germline. Affected: yes. Study: VKGL Data-share Consensus. Not counted in ClinVar's aggregate classification.

Laboratory of Diagnostic Genome Analysis, Leiden University Medical Center (LUMC)
Classification: Likely benign. Review status: no assertion criteria provided. Collection method: clinical testing. Allele origin: germline. Affected: yes. Study: VKGL Data-share Consensus. Not counted in ClinVar's aggregate classification.

NM_001374353.1(GLI2):c.148+5T>C

Gene: GLI2 (GLI family zinc finger 2; plus strand). Cytogenetic location: 2q14.2.
Variant type: single nucleotide variant.
Coding change: c.148+5T>C on transcript NM_001374353.1 (MANE Select); 5 bases into the intron after coding-DNA position 148, T replaced by C.
Molecular consequence: intron variant.
Genome position (GRCh38, 1-based): chr2:120,797,473, T>C. VCF-style: chr2-120797473-T-C. GRCh37 (hg19) VCF-style: chr2-121555049-T-C.
Other names: c.148+5T>C (NM_001371271.1, NM_005270.5); c.-122+5T>C (NM_001374354.1).
Identifiers: ClinVar variation 330962 (VCV000330962.44), dbSNP rs201273354, ClinGen allele CA1851410.